The following is an entry in ClinVar:

NM_001035.3(RYR2):c.729G>A (p.Glu243=)

Gene: RYR2 (ryanodine receptor 2; plus strand). Cytogenetic location: 1q43.
Variant type: single nucleotide variant.
Coding change: c.729G>A on transcript NM_001035.3 (MANE Select); coding-DNA position 729, G replaced by A.
Protein change: p.Glu243=; no amino-acid change (glutamic acid 243 retained).
Molecular consequence: synonymous variant.
Genome position (GRCh38, 1-based): chr1:237,388,139, G>A. VCF-style: chr1-237388139-G-A. GRCh37 (hg19) VCF-style: chr1-237551439-G-A.
Identifiers: ClinVar variation 1758161 (VCV001758161.5), dbSNP rs991228259, ClinGen allele CA39776115.

ClinVar aggregate classification (germline): Likely benign. Review status: criteria provided, multiple submitters, no conflicts (2 of 4 stars). 3 submissions from 3 submitters: Likely benign (3). Last evaluated 2025-10-14.

Conditions:
Catecholaminergic polymorphic ventricular tachycardia (CVPT). Also called: Catecholamine-induced polymorphic ventricular tachycardia. Identifiers: Orphanet 3286, MedGen C5574922, MONDO:0017990.
Cardiovascular phenotype. Identifiers: MedGen CN230736.
Catecholaminergic polymorphic ventricular tachycardia 1. Also called: VENTRICULAR TACHYCARDIA, CATECHOLAMINERGIC POLYMORPHIC, 1, WITH OR WITHOUT ATRIAL DYSFUNCTION AND/OR DILATED CARDIOMYOPATHY; VENTRICULAR TACHYCARDIA, STRESS-INDUCED POLYMORPHIC 1; RYR2-Related Catecholaminergic Polymorphic Ventricular Tachycardia. Identifiers: Orphanet 3286, MedGen C1631597, MONDO:0011484, OMIM 604772.

Allele frequency attached by ClinVar (database versions not stated): gnomAD exomes below 0.00001.
gnomAD v4.1: 2 of 1,613,982 alleles (0.00012%); highest among the groups gnomAD compares: Non-Finnish European, 0.00017%; no homozygotes.

Submissions (3):

Labcorp Genetics (formerly Invitae), Labcorp
Classification: Likely benign for Catecholaminergic polymorphic ventricular tachycardia 1. Last evaluated: 2025-10-14. Review status: criteria provided, single submitter. Criteria: Invitae Variant Classification Sherloc (09022015). Collection method: clinical testing. Allele origin: germline.

All of Us Research Program, National Institutes of Health
Classification: Likely benign for Catecholaminergic polymorphic ventricular tachycardia. Last evaluated: 2023-06-08. Review status: criteria provided, single submitter. Criteria: ACMG Guidelines, 2015. Collection method: clinical testing. Allele origin: germline. Inheritance: Autosomal dominant inheritance. Observed: 1 variant allele, 1 heterozygote.
Comment: This study involves interpretation of variants in research participants for the purpose of population health screening. Participant phenotype was not available at the time of variant classification. Additional details can be found in publication PMID: 35346344, PMCID: PMC8962531

Ambry Genetics
Classification: Likely benign for Cardiovascular phenotype. Last evaluated: 2021-09-30. Review status: criteria provided, single submitter. Criteria: Ambry Variant Classification Scheme 2023. Collection method: clinical testing. Allele origin: germline.